The following is an entry in ClinVar:

ClinVar aggregate classification (germline): Benign (1 of 4 stars; one submission).

Allele frequency attached by ClinVar (database versions not stated): gnomAD 0.56123 and 0.56008; 1000 Genomes Project 30x 0.55215; 1000 Genomes Project 0.54912; TOPMed 0.56369.
gnomAD v4.1: 85,395 of 152,058 alleles (56%); highest among the groups gnomAD compares: East Asian, 64%; 24,432 homozygotes.

Submissions (3):

GeneDx
Classification: Benign. Last evaluated: 2018-06-18. Review status: criteria provided, single submitter. Criteria: GeneDx Variant Classification (06012015). Collection method: clinical testing. Allele origin: germline. Affected: yes.
Comment: This variant is considered likely benign or benign based on one or more of the following criteria: it is a conservative change, it occurs at a poorly conserved position in the protein, it is predicted to be benign by multiple in silico algorithms, and/or has population frequency not consistent with disease.

Dr. Peter K. Rogan Lab, Western University
No classification provided (evidence only). Condition: Malignant tumor of esophagus. Review status: no classification provided. Collection method: in vitro. Allele origin: not applicable. Functional consequence: retained intron. Not counted in ClinVar's aggregate classification.

Dr. Peter K. Rogan Lab, Western University
No classification provided (evidence only). Condition: Malignant tumor of esophagus. Review status: no classification provided. Collection method: in vitro. Allele origin: not applicable. Functional consequence: retained intron. Not counted in ClinVar's aggregate classification.

NM_182961.4(SYNE1):c.12079-266G>A

Gene: SYNE1 (spectrin repeat containing nuclear envelope protein 1; minus strand). Cytogenetic location: 6q25.2.
Variant type: single nucleotide variant.
Coding change: c.12079-266G>A on transcript NM_182961.4 (MANE Select); 266 bases into the intron before coding-DNA position 12079, G replaced by A.
Molecular consequence: intron variant.
Genome position (GRCh38, 1-based): chr6:152,344,493, C>T on the plus strand (G>A on the coding strand, the complement: SYNE1 is on the minus strand). VCF-style: chr6-152344493-C-T. GRCh37 (hg19) VCF-style: chr6-152665628-C-T.
Other names: NC_000006.11:g.152665628C>T; c.11866-266G>A (NM_033071.5).
Identifiers: ClinVar variation 683947 (VCV000683947.2), dbSNP rs9383617, ClinGen allele CA12338493.